The following is an entry in ClinVar:

NM_001844.5(COL2A1):c.1854_1855dup (p.Glu619fs)

Gene: COL2A1 (collagen type II alpha 1 chain; minus strand). Cytogenetic location: 12q13.11.
Variant type: Duplication.
Coding change: c.1854_1855dup on transcript NM_001844.5 (MANE Select); coding-DNA positions 1854 to 1855, 2 bases duplicated (TG; older notation c.1854_1855dupTG).
Protein change: p.Glu619fs; shifts the reading frame from glutamic acid 619.
Molecular consequence: frameshift variant.
Genome position (GRCh38, 1-based): chr12:47,984,578-47,984,579, CA duplicated on the plus strand (TG on the coding strand, the reverse complement: COL2A1 is on the minus strand); duplicating any 2 consecutive bases within chr12:47,984,578-47,984,580 gives the same sequence; the c. name uses the placement nearest the transcript's 3' end. VCF-style (leftmost placement, unchanged base first): chr12-47984577-T-TCA. GRCh37 (hg19) VCF-style: chr12-48378360-T-TCA.
Other names: c.1647_1648dup, p.Glu550fs (NM_033150.3); short protein forms E619fs, E550fs.
Identifiers: ClinVar variation 4719406 (VCV004719406.1).
Genomic context (GRCh38, chr12:47,984,577, plus strand): 5'-AGTCATGGGCAGCGGGGAAGGATACTTACCCTCAGACCAGGAGCACCAGGCAGTCCCTTC[T>TCA]CACCAGCTTTGCCAGGCTCACCCTGAAGGAAAGAGAGGGCAGGGCCATGAGGCGGATGGT-3'

ClinVar aggregate classification (germline): Pathogenic (1 of 4 stars; one submission).

Submission:

Labcorp Genetics (formerly Invitae), Labcorp
Classification: Pathogenic. Last evaluated: 2025-05-11. Review status: criteria provided, single submitter. Criteria: Invitae Variant Classification Sherloc (09022015). Collection method: clinical testing. Allele origin: germline.
Comment: This sequence change creates a premature translational stop signal (p.Glu619Valfs*11) in the COL2A1 gene. It is expected to result in an absent or disrupted protein product. Loss-of-function variants in COL2A1 are known to be pathogenic (PMID: 20179744). This variant is not present in population databases (gnomAD no frequency). This variant has not been reported in the literature in individuals affected with COL2A1-related conditions. For these reasons, this variant has been classified as Pathogenic.

Literature cited by the submitters: PubMed 20179744.